The following is an entry in ClinVar:

NM_004360.5(CDH1):c.2645A>T (p.Asp882Val)

Gene: CDH1 (cadherin 1; plus strand). Cytogenetic location: 16q22.1.
Variant type: single nucleotide variant.
Coding change: c.2645A>T on transcript NM_004360.5 (MANE Select); coding-DNA position 2645, A replaced by T.
Protein change: p.Asp882Val; replaces aspartic acid 882 with valine.
Molecular consequence: missense variant.
Genome position (GRCh38, 1-based): chr16:68,833,495, A>T. VCF-style: chr16-68833495-A-T. GRCh37 (hg19) VCF-style: chr16-68867398-A-T.
Other names: c.2462A>T, p.Asp821Val (NM_001317184.2); c.1097A>T, p.Asp366Val (NM_001317185.2); c.680A>T, p.Asp227Val (NM_001317186.2); short protein forms D227V, D366V, D882V, D821V.
Identifiers: ClinVar variation 956281 (VCV000956281.10), dbSNP rs1961548324, ClinGen allele CA396472955.

ClinVar aggregate classification (germline): Uncertain significance (1 of 4 stars; one submission).

Conditions:
Hereditary diffuse gastric adenocarcinoma (HDGC). Also called: DIFFUSE GASTRIC AND LOBULAR BREAST CANCER SYNDROME. Identifiers: Orphanet 26106, MedGen C1708349, MONDO:0007648, OMIM 137215.

Submission:

Labcorp Genetics (formerly Invitae), Labcorp
Classification: Uncertain significance for Hereditary diffuse gastric adenocarcinoma. Last evaluated: 2023-06-23. Review status: criteria provided, single submitter. Criteria: Invitae Variant Classification Sherloc (09022015). Collection method: clinical testing. Allele origin: germline.
Comment: This sequence change replaces aspartic acid, which is acidic and polar, with valine, which is neutral and non-polar, at codon 882 of the CDH1 protein (p.Asp882Val). This variant is not present in population databases (gnomAD no frequency). In summary, the available evidence is currently insufficient to determine the role of this variant in disease. Therefore, it has been classified as a Variant of Uncertain Significance. An algorithm developed to predict the effect of missense changes on protein structure and function (PolyPhen-2) suggests that this variant is likely to be disruptive. ClinVar contains an entry for this variant (Variation ID: 956281). This variant has not been reported in the literature in individuals affected with CDH1-related conditions.